The following is an entry in ClinVar:

NM_206933.4(USH2A):c.2810-294G>T

Genes: USH2A (usherin; minus strand), USH2A-AS1 (USH2A antisense RNA 1; plus strand). Cytogenetic location: 1q41.
Variant type: single nucleotide variant.
Coding change: c.2810-294G>T on transcript NM_206933.4 (MANE Select); 294 bases into the intron before coding-DNA position 2810, G replaced by T.
Molecular consequence: intron variant.
Genome position (GRCh38, 1-based): chr1:216,232,430, C>A on the plus strand (G>T on the coding strand, the complement: USH2A is on the minus strand). VCF-style: chr1-216232430-C-A. GRCh37 (hg19) VCF-style: chr1-216405772-C-A.
Other names: c.2810-294G>T (NM_007123.6).
Identifiers: ClinVar variation 667893 (VCV000667893.1), dbSNP rs378340, ClinGen allele CA37494190.

ClinVar aggregate classification (germline): Benign (1 of 4 stars; one submission).

Allele frequency attached by ClinVar (database versions not stated): 1000 Genomes Project 30x 0.21783; 1000 Genomes Project 0.22005; TOPMed 0.22504; gnomAD 0.22653 and 0.22682.
gnomAD v4.1: 34,423 of 152,060 alleles (23%); highest among the groups gnomAD compares: Non-Finnish European, 25%; 3,931 homozygotes.

Submission:

GeneDx
Classification: Benign. Last evaluated: 2018-06-14. Review status: criteria provided, single submitter. Criteria: GeneDx Variant Classification (06012015). Collection method: clinical testing. Allele origin: germline. Affected: yes.
Comment: This variant is considered likely benign or benign based on one or more of the following criteria: it is a conservative change, it occurs at a poorly conserved position in the protein, it is predicted to be benign by multiple in silico algorithms, and/or has population frequency not consistent with disease.